The following is an entry in ClinVar:

NM_000051.4(ATM):c.8328T>G (p.Ile2776Met)

Genes: ATM (ATM serine/threonine kinase; plus strand), C11orf65 (chromosome 11 open reading frame 65; minus strand). Cytogenetic location: 11q22.3.
Variant type: single nucleotide variant.
Coding change: c.8328T>G on transcript NM_000051.4 (MANE Select); coding-DNA position 8328, T replaced by G.
Protein change: p.Ile2776Met; replaces isoleucine 2776 with methionine.
Molecular consequence: missense variant. On other transcripts: intron variant (2).
Genome position (GRCh38, 1-based): chr11:108,343,281, T>G. VCF-style: chr11-108343281-T-G. GRCh37 (hg19) VCF-style: chr11-108214008-T-G.
Other names: c.8328T>G, p.Ile2776Met (NM_001351834.2); c.641-34210A>C (NM_001330368.2); c.695-7989A>C (NM_001351110.2); short protein forms I2776M.
Identifiers: ClinVar variation 1973068 (VCV001973068.5), dbSNP rs2136945860, ClinGen allele CA382516413.

ClinVar aggregate classification (germline): Uncertain significance (1 of 4 stars; one submission).

Conditions:
Ataxia-telangiectasia syndrome (AT). Also called: Ataxia-telangiectasia, complementation group D; AT, COMPLEMENTATION GROUP C; ATAXIA-TELANGIECTASIA, COMPLEMENTATION GROUP A; ATAXIA-TELANGIECTASIA, FRESNO VARIANT; Ataxia-telangiectasia, complementation group E; LOUIS-BAR SYNDROME. Identifiers: Orphanet 100, MedGen C0004135, MONDO:0008840, OMIM 208900.

Submission:

Labcorp Genetics (formerly Invitae), Labcorp
Classification: Uncertain significance for Ataxia-telangiectasia syndrome. Last evaluated: 2025-09-02. Review status: criteria provided, single submitter. Criteria: Invitae Variant Classification Sherloc (09022015). Collection method: clinical testing. Allele origin: germline.
Comment: This sequence change replaces isoleucine, which is neutral and non-polar, with methionine, which is neutral and non-polar, at codon 2776 of the ATM protein (p.Ile2776Met). This variant is not present in population databases (gnomAD no frequency). This variant has not been reported in the literature in individuals affected with ATM-related conditions. ClinVar contains an entry for this variant (Variation ID: 1973068). Invitae Evidence Modeling of protein sequence and biophysical properties (such as structural, functional, and spatial information, amino acid conservation, physicochemical variation, residue mobility, and thermodynamic stability) indicates that this missense variant is not expected to disrupt ATM protein function with a negative predictive value of 95%. In summary, the available evidence is currently insufficient to determine the role of this variant in disease. Therefore, it has been classified as a Variant of Uncertain Significance.